The following is an entry in ClinVar:

ClinVar aggregate classification (germline): Uncertain significance. Review status: criteria provided, multiple submitters, no conflicts (2 of 4 stars). 2 submissions from 2 submitters: Uncertain significance (2). Last evaluated 2023-05-02.

Conditions:
Tuberous sclerosis 2 (TSC2). Identifiers: Orphanet 805, MedGen C1860707, MONDO:0013199, OMIM 613254.
Hereditary cancer-predisposing syndrome. Also called: Neoplastic Syndromes, Hereditary; Hereditary Cancer Syndrome; Tumor predisposition; Hereditary neoplastic syndrome. Identifiers: Orphanet 140162, MedGen C0027672, MeSH D009386, MONDO:0015356.

Submissions (2):

Ambry Genetics
Classification: Uncertain significance for Hereditary cancer-predisposing syndrome. Last evaluated: 2023-05-02. Review status: criteria provided, single submitter. Criteria: Ambry Variant Classification Scheme 2023. Collection method: clinical testing. Allele origin: germline.
Comment: The p.Q397H variant (also known as c.1191G>C), located in coding exon 11 of the TSC2 gene, results from a G to C substitution at nucleotide position 1191. The glutamine at codon 397 is replaced by histidine, an amino acid with highly similar properties. This amino acid position is conserved. In addition, the in silico prediction for this alteration is inconclusive. Since supporting evidence is limited at this time, the clinical significance of this alteration remains unclear.

Labcorp Genetics (formerly Invitae), Labcorp
Classification: Uncertain significance for Tuberous sclerosis 2. Last evaluated: 2020-09-16. Review status: criteria provided, single submitter. Criteria: Invitae Variant Classification Sherloc (09022015). Collection method: clinical testing. Allele origin: germline.
Comment: In summary, the available evidence is currently insufficient to determine the role of this variant in disease. Therefore, it has been classified as a Variant of Uncertain Significance. Advanced modeling of protein sequence and biophysical properties (such as structural, functional, and spatial information, amino acid conservation, physicochemical variation, residue mobility, and thermodynamic stability) performed at Invitae indicates that this missense variant is not expected to disrupt TSC2 protein function. This variant has not been reported in the literature in individuals with TSC2-related conditions. This variant is not present in population databases (ExAC no frequency). This sequence change replaces glutamine with histidine at codon 397 of the TSC2 protein (p.Gln397His). The glutamine residue is highly conserved and there is a small physicochemical difference between glutamine and histidine.

NM_000548.5(TSC2):c.1191G>C (p.Gln397His)

Gene: TSC2 (TSC complex subunit 2; plus strand). Cytogenetic location: 16p13.3.
Variant type: single nucleotide variant.
Coding change: c.1191G>C on transcript NM_000548.5 (MANE Select); coding-DNA position 1191, G replaced by C.
Protein change: p.Gln397His; replaces glutamine 397 with histidine.
Molecular consequence: missense variant.
Genome position (GRCh38, 1-based): chr16:2,061,942, G>C. VCF-style: chr16-2061942-G-C. GRCh37 (hg19) VCF-style: chr16-2111943-G-C.
Other names: c.1191G>C (NM_000548.3); c.1191G>C, p.Gln397His (NM_001077183.3, NM_001114382.3, NM_001363528.2 and 3 more transcripts); c.1080G>C, p.Gln360His (NM_001318827.2); c.1044G>C, p.Gln348His (NM_001318829.2); c.591G>C, p.Gln197His (NM_001318831.2); c.1224G>C, p.Gln408His (NM_001318832.2); short protein forms Q408H, Q348H, Q397H, Q197H, Q360H.
Identifiers: ClinVar variation 1038908 (VCV001038908.10), dbSNP rs2086690848, ClinGen allele CA394320654.
Genomic context (GRCh38, chr16:2,061,942, plus strand): 5'-CCCGGAGCTCAGGACCATCGTCCATGACCTGTTGACCACGGTGGAGGAGCTGTGTGACCA[G>C]AACGAGTTCCACGGGTCTCAGGAGAGATACTTTGAACTGGTGGAGAGATGTGCGGACCAG-3'
Protein context (NP_000539.2, residues 387-407): LLTTVEELCD[Gln397His]NEFHGSQERY